The following is an entry in ClinVar:

ClinVar aggregate classification (germline): Uncertain significance (1 of 4 stars; one submission).

Conditions:
Cardiovascular phenotype. Identifiers: MedGen CN230736.

Submission:

Ambry Genetics
Classification: Uncertain significance for Cardiovascular phenotype. Last evaluated: 2020-07-16. Review status: criteria provided, single submitter. Criteria: Ambry Variant Classification Scheme 2023. Collection method: clinical testing. Allele origin: germline.
Comment: The c.201-5T>C intronic variant results from a T to C substitution 5 nucleotides upstream from coding exon 3 in the TTR gene. This nucleotide position is well conserved in available vertebrate species. In silico splice site analysis predicts that this alteration will not have any significant effect on splicing. Since supporting evidence is limited at this time, the clinical significance of this alteration remains unclear.

NM_000371.4(TTR):c.201-5T>C

Gene: TTR (transthyretin; plus strand). Cytogenetic location: 18q12.1.
Variant type: single nucleotide variant.
Coding change: c.201-5T>C on transcript NM_000371.4 (MANE Select); 5 bases into the intron before coding-DNA position 201, T replaced by C.
Molecular consequence: intron variant.
Genome position (GRCh38, 1-based): chr18:31,595,115, T>C. VCF-style: chr18-31595115-T-C. GRCh37 (hg19) VCF-style: chr18-29175078-T-C.
Identifiers: ClinVar variation 1784465 (VCV001784465.2), dbSNP rs2510932980, ClinGen allele CA2580095591.
Genomic context (GRCh38, chr18:31,595,115, plus strand): 5'-TATTACTTTGCCATGCCATTTGTTTCCTCCATGCGTAACTTAATCCAGACTTTCACACCT[T>C]ATAGGAAAACCAGTGAGTCTGGAGAGCTGCATGGGCTCACAACTGAGGAGGAATTTGTAG-3'